The following is an entry in ClinVar:

ClinVar aggregate classification (germline): Uncertain significance (1 of 4 stars; one submission).

Conditions:
Dyskeratosis congenita. Identifiers: Orphanet 1775, MedGen C0265965, MONDO:0015780.

gnomAD v4.1: 1 of 1,614,136 alleles (0.000062%); highest among the groups gnomAD compares: Non-Finnish European, 0.000085%; no homozygotes.

Submission:

Labcorp Genetics (formerly Invitae), Labcorp
Classification: Uncertain significance for Dyskeratosis congenita. Last evaluated: 2025-11-17. Review status: criteria provided, single submitter. Criteria: Invitae Variant Classification Sherloc (09022015). Collection method: clinical testing. Allele origin: germline.
Comment: This sequence change replaces leucine, which is neutral and non-polar, with valine, which is neutral and non-polar, at codon 421 of the CTC1 protein (p.Leu421Val). This variant is not present in population databases (gnomAD no frequency). This variant has not been reported in the literature in individuals affected with CTC1-related conditions. ClinVar contains an entry for this variant (Variation ID: 3662731). Invitae Evidence Modeling of protein sequence and biophysical properties (such as structural, functional, and spatial information, amino acid conservation, physicochemical variation, residue mobility, and thermodynamic stability) indicates that this missense variant is expected to disrupt CTC1 protein function with a positive predictive value of 80%. In summary, the available evidence is currently insufficient to determine the role of this variant in disease. Therefore, it has been classified as a Variant of Uncertain Significance.

NM_025099.6(CTC1):c.1261C>G (p.Leu421Val)

Gene: CTC1 (CST telomere replication complex component 1; minus strand). Cytogenetic location: 17p13.1.
Variant type: single nucleotide variant.
Coding change: c.1261C>G on transcript NM_025099.6 (MANE Select); coding-DNA position 1261, C replaced by G.
Protein change: p.Leu421Val; replaces leucine 421 with valine.
Molecular consequence: missense variant. On other transcripts: non-coding transcript variant (1).
Genome position (GRCh38, 1-based): chr17:8,235,231, G>C on the plus strand (C>G on the coding strand, the complement: CTC1 is on the minus strand). VCF-style: chr17-8235231-G-C. GRCh37 (hg19) VCF-style: chr17-8138549-G-C.
Other names: c.1261C>G, p.Leu421Val (NM_001411067.1); short protein forms L421V.
Identifiers: ClinVar variation 3662731 (VCV003662731.2).